The following is an entry in ClinVar:

NM_000548.5(TSC2):c.3103T>G (p.Phe1035Val)

Gene: TSC2 (TSC complex subunit 2; plus strand). Cytogenetic location: 16p13.3.
Variant type: single nucleotide variant.
Coding change: c.3103T>G on transcript NM_000548.5 (MANE Select); coding-DNA position 3103, T replaced by G.
Protein change: p.Phe1035Val; replaces phenylalanine 1035 with valine.
Molecular consequence: missense variant.
Genome position (GRCh38, 1-based): chr16:2,079,168, T>G. VCF-style: chr16-2079168-T-G. GRCh37 (hg19) VCF-style: chr16-2129169-T-G.
Other names: c.2971T>G, p.Phe991Val (NM_001077183.3, NM_001370404.1); c.3103T>G, p.Phe1035Val (NM_001114382.3); c.2863T>G, p.Phe955Val (NM_001318827.2); c.2827T>G, p.Phe943Val (NM_001318829.2); c.2371T>G, p.Phe791Val (NM_001318831.2); c.3004T>G, p.Phe1002Val (NM_001318832.2); c.2974T>G, p.Phe992Val (NM_001363528.2, NM_001370405.1, NM_021055.3); short protein forms F955V, F1035V, F791V, F991V, F1002V, F943V, F992V.
Identifiers: ClinVar variation 1465948 (VCV001465948.11), dbSNP rs2151434349, ClinGen allele CA394284787.

ClinVar aggregate classification (germline): Uncertain significance. Review status: criteria provided, multiple submitters, no conflicts (2 of 4 stars). 2 submissions from 2 submitters: Uncertain significance (2). Last evaluated 2025-01-22.

Conditions:
Tuberous sclerosis 2 (TSC2). Identifiers: Orphanet 805, MedGen C1860707, MONDO:0013199, OMIM 613254.
Hereditary cancer-predisposing syndrome. Also called: Neoplastic Syndromes, Hereditary; Hereditary Cancer Syndrome; Tumor predisposition; Hereditary neoplastic syndrome. Identifiers: Orphanet 140162, MedGen C0027672, MeSH D009386, MONDO:0015356.

Submissions (2):

Labcorp Genetics (formerly Invitae), Labcorp
Classification: Uncertain significance for Tuberous sclerosis 2. Last evaluated: 2025-01-22. Review status: criteria provided, single submitter. Criteria: Invitae Variant Classification Sherloc (09022015). Collection method: clinical testing. Allele origin: germline.
Comment: This sequence change replaces phenylalanine, which is neutral and non-polar, with valine, which is neutral and non-polar, at codon 1035 of the TSC2 protein (p.Phe1035Val). This variant is not present in population databases (gnomAD no frequency). This variant has not been reported in the literature in individuals affected with TSC2-related conditions. ClinVar contains an entry for this variant (Variation ID: 1465948). Invitae Evidence Modeling of protein sequence and biophysical properties (such as structural, functional, and spatial information, amino acid conservation, physicochemical variation, residue mobility, and thermodynamic stability) has been performed for this missense variant. However, the output from this modeling did not meet the statistical confidence thresholds required to predict the impact of this variant on TSC2 protein function. In summary, the available evidence is currently insufficient to determine the role of this variant in disease. Therefore, it has been classified as a Variant of Uncertain Significance.

Ambry Genetics
Classification: Uncertain significance for Hereditary cancer-predisposing syndrome. Last evaluated: 2024-08-12. Review status: criteria provided, single submitter. Criteria: Ambry Variant Classification Scheme 2023. Collection method: clinical testing. Allele origin: germline.
Comment: The p.F1035V variant (also known as c.3103T>G), located in coding exon 26 of the TSC2 gene, results from a T to G substitution at nucleotide position 3103. The phenylalanine at codon 1035 is replaced by valine, an amino acid with highly similar properties. This amino acid position is highly conserved in available vertebrate species. In addition, this alteration is predicted to be deleterious by in silico analysis. Based on the available evidence, the clinical significance of this variant remains unclear.